The following is an entry in ClinVar:

NM_007055.4(POLR3A):c.2862G>C (p.Lys954Asn)

Gene: POLR3A (RNA polymerase III subunit A; minus strand). Cytogenetic location: 10q22.3.
Variant type: single nucleotide variant.
Coding change: c.2862G>C on transcript NM_007055.4 (MANE Select); coding-DNA position 2862, G replaced by C.
Protein change: p.Lys954Asn; replaces lysine 954 with asparagine.
Molecular consequence: missense variant.
Genome position (GRCh38, 1-based): chr10:77,991,093, C>G on the plus strand (G>C on the coding strand, the complement: POLR3A is on the minus strand). VCF-style: chr10-77991093-C-G. GRCh37 (hg19) VCF-style: chr10-79750851-C-G.
Other names: short protein forms K954N.
Identifiers: ClinVar variation 1368289 (VCV001368289.6), dbSNP rs765658350, ClinGen allele CA5571009.

ClinVar aggregate classification (germline): Uncertain significance (1 of 4 stars; one submission).

Allele frequency attached by ClinVar (database versions not stated): ExAC 0.00002; gnomAD exomes 0.00001.
gnomAD v4.1: 3 of 1,613,714 alleles (0.00019%); highest among the groups gnomAD compares: Admixed American, 0.0033%; no homozygotes.

Submission:

Labcorp Genetics (formerly Invitae), Labcorp
Classification: Uncertain significance. Last evaluated: 2025-02-24. Review status: criteria provided, single submitter. Criteria: Invitae Variant Classification Sherloc (09022015). Collection method: clinical testing. Allele origin: germline.
Comment: This sequence change replaces lysine, which is basic and polar, with asparagine, which is neutral and polar, at codon 954 of the POLR3A protein (p.Lys954Asn). This variant is present in population databases (rs765658350, gnomAD 0.006%). This variant has not been reported in the literature in individuals affected with POLR3A-related conditions. ClinVar contains an entry for this variant (Variation ID: 1368289). Invitae Evidence Modeling of protein sequence and biophysical properties (such as structural, functional, and spatial information, amino acid conservation, physicochemical variation, residue mobility, and thermodynamic stability) indicates that this missense variant is not expected to disrupt POLR3A protein function with a negative predictive value of 80%. In summary, the available evidence is currently insufficient to determine the role of this variant in disease. Therefore, it has been classified as a Variant of Uncertain Significance.